The following is an entry in ClinVar:

NM_153717.3(EVC):c.1638G>T (p.Met546Ile)

Gene: EVC (EvC ciliary complex subunit 1; plus strand). Cytogenetic location: 4p16.2.
Variant type: single nucleotide variant.
Coding change: c.1638G>T on transcript NM_153717.3 (MANE Select); coding-DNA position 1638, G replaced by T.
Protein change: p.Met546Ile; replaces methionine 546 with isoleucine.
Molecular consequence: missense variant.
Genome position (GRCh38, 1-based): chr4:5,783,626, G>T. VCF-style: chr4-5783626-G-T. GRCh37 (hg19) VCF-style: chr4-5785353-G-T.
Other names: c.1638G>T, p.Met546Ile (NM_001306090.2); short protein forms M546I.
Identifiers: ClinVar variation 1365197 (VCV001365197.9), dbSNP rs1225766769, ClinGen allele CA356160782.

ClinVar aggregate classification (germline): Uncertain significance (1 of 4 stars; one submission).

Conditions:
Ellis-van Creveld syndrome (EVC). Also called: Chondroectodermal dysplasia; EVC-Related Ellis-van Creveld Syndrome; EVC2-Related Ellis-van Creveld Syndrome; MESOECTODERMAL DYSPLASIA. Identifiers: Orphanet 289, MedGen C0013903, MONDO:0009162, OMIM 225500.
Curry-Hall syndrome (WAD). Also called: WEYERS ACRODENTAL DYSOSTOSIS. Identifiers: Orphanet 952, MedGen C0457013, MONDO:0008673, OMIM 193530.

Allele frequency attached by ClinVar (database versions not stated): TOPMed below 0.00001; gnomAD 0.00001.
gnomAD v4.1: 1 of 1,614,060 alleles (0.000062%); highest among the groups gnomAD compares: African/African-American, 0.0013%; no homozygotes.

Submission:

Labcorp Genetics (formerly Invitae), Labcorp
Classification: Uncertain significance for Curry-Hall syndrome; Ellis-van Creveld syndrome. Last evaluated: 2021-07-09. Review status: criteria provided, single submitter. Criteria: Invitae Variant Classification Sherloc (09022015). Collection method: clinical testing. Allele origin: germline.
Comment: In summary, the available evidence is currently insufficient to determine the role of this variant in disease. Therefore, it has been classified as a Variant of Uncertain Significance. Algorithms developed to predict the effect of missense changes on protein structure and function (SIFT, PolyPhen-2, Align-GVGD) all suggest that this variant is likely to be tolerated. This variant has not been reported in the literature in individuals affected with EVC-related conditions. This variant is not present in population databases (ExAC no frequency). This sequence change replaces methionine with isoleucine at codon 546 of the EVC protein (p.Met546Ile). The methionine residue is weakly conserved and there is a small physicochemical difference between methionine and isoleucine.